The following is an entry in ClinVar:

NM_001374353.1(GLI2):c.846-23T>A

Gene: GLI2 (GLI family zinc finger 2; plus strand). Cytogenetic location: 2q14.2.
Variant type: single nucleotide variant.
Coding change: c.846-23T>A on transcript NM_001374353.1 (MANE Select); 23 bases into the intron before coding-DNA position 846, T replaced by A.
Molecular consequence: intron variant.
Genome position (GRCh38, 1-based): chr2:120,970,370, T>A. VCF-style: chr2-120970370-T-A. GRCh37 (hg19) VCF-style: chr2-121727946-T-A.
Other names: c.846-23T>A (NM_001371271.1, NM_005270.5); c.471-23T>A (NM_001374354.1).
Identifiers: ClinVar variation 1707331 (VCV001707331.2), dbSNP rs139360762, ClinGen allele CA1851692.
Genomic context (GRCh38, chr2:120,970,370, plus strand): 5'-AAGGTTCTCTCTGTCCAGGAAGTGTCAGCCTAAGAGAGCTCCCGATCCCCCACCCCCACT[T>A]CCTTGTCTGCTCTCTGTTGCAGCCCAGCCTTCACCTTCCCCCACCCCATCAACCCCGTGG-3'

ClinVar aggregate classification (germline): Likely benign (1 of 4 stars; one submission).

Allele frequency attached by ClinVar (database versions not stated): 1000 Genomes Project 0.00140; 1000 Genomes Project 30x 0.00156; gnomAD 0.00357; ESP Exome Variant Server 0.00392; TOPMed 0.00430.
gnomAD v4.1: 950 of 1,389,372 alleles (0.068%); highest among the groups gnomAD compares: African/African-American, 1.2%; 6 homozygotes.

Submission:

GeneDx
Classification: Likely benign. Last evaluated: 2021-06-07. Review status: criteria provided, single submitter. Criteria: GeneDx Variant Classification Process June 2021. Collection method: clinical testing. Allele origin: germline. Affected: yes.
Comment: See Variant Classification Assertion Criteria.